The following is an entry in ClinVar:

ClinVar aggregate classification (germline): Uncertain significance (1 of 4 stars; one submission).

Conditions:
Cardiovascular phenotype. Identifiers: MedGen CN230736.

Submission:

Ambry Genetics
Classification: Uncertain significance for Cardiovascular phenotype. Last evaluated: 2024-12-13. Review status: criteria provided, single submitter. Criteria: Ambry Variant Classification Scheme 2023. Collection method: clinical testing. Allele origin: germline.
Comment: The p.I1175L variant (also known as c.3523A>C), located in coding exon 23 of the SOS2 gene, results from an A to C substitution at nucleotide position 3523. The isoleucine at codon 1175 is replaced by leucine, an amino acid with highly similar properties. This amino acid position is conserved. In addition, this alteration is predicted to be tolerated by in silico analysis. Based on the available evidence, the clinical significance of this variant remains unclear.

NM_006939.4(SOS2):c.3523A>C (p.Ile1175Leu)

Gene: SOS2 (SOS Ras/Rho guanine nucleotide exchange factor 2; minus strand). Cytogenetic location: 14q21.3.
Variant type: single nucleotide variant.
Coding change: c.3523A>C on transcript NM_006939.4 (MANE Select); coding-DNA position 3523, A replaced by C.
Protein change: p.Ile1175Leu; replaces isoleucine 1175 with leucine.
Molecular consequence: missense variant.
Genome position (GRCh38, 1-based): chr14:50,118,820, T>G on the plus strand (A>C on the coding strand, the complement: SOS2 is on the minus strand). VCF-style: chr14-50118820-T-G. GRCh37 (hg19) VCF-style: chr14-50585538-T-G.
Other names: c.3424A>C, p.Ile1142Leu (NM_001411020.1); short protein forms I1175L, I1142L.
Identifiers: ClinVar variation 3799913 (VCV003799913.1).
Genomic context (GRCh38, chr14:50,118,820, plus strand): 5'-CACCAGTAGGAACAGGAACTCTGGGTTTTACCTTTGGAGGAGGAGGCTGTCTCGGTGGAA[T>G]AGCAGGAGGATCATCATCAGATTTCATATTTCCCTCAAAAAAAAAAGTAATTAAATTATA-3'
Protein context (NP_008870.2, residues 1165-1185): NMKSDDDPPA[Ile1175Leu]PPRQPPPPKV